The following is an entry in ClinVar:

ClinVar aggregate classification (germline): Pathogenic (0 of 4 stars; one submission).

Conditions:
Dihydropyrimidinase deficiency (DPYSD). Also called: dihydropyrimidinuria; DPH DEFICIENCY; DPYS DEFICIENCY. Identifiers: Orphanet 38874, MedGen C0342803, MONDO:0009111, OMIM 222748.

Submission:

Osteogenesis Imperfecta Clinic, Kennedy Krieger Institute
Classification: Pathogenic for Dihydropyrimidinase deficiency. Review status: no assertion criteria provided. Collection method: clinical testing. Allele origin: germline. Inheritance: Autosomal recessive inheritance. Affected: yes. Observed: 1 homozygote.
Comment: Albokhari et al, "The diagnostic odyssey of a patient with dihydropyrimidase deficiency: a case report and review of the literature" In Press.

NM_001385.3(DPYS):c.502T>C (p.Tyr168His)

Gene: DPYS (dihydropyrimidinase; minus strand). Cytogenetic location: 8q22.3.
Variant type: single nucleotide variant.
Coding change: c.502T>C on transcript NM_001385.3 (MANE Select); coding-DNA position 502, T replaced by C.
Protein change: p.Tyr168His; replaces tyrosine 168 with histidine.
Molecular consequence: missense variant.
Genome position (GRCh38, 1-based): chr8:104,447,425, A>G on the plus strand (T>C on the coding strand, the complement: DPYS is on the minus strand). VCF-style: chr8-104447425-A-G. GRCh37 (hg19) VCF-style: chr8-105459653-A-G.
Other names: p.Tyr168His; short protein forms Y168H.
Identifiers: ClinVar variation 2682641 (VCV002682641.2), dbSNP rs2537826958, ClinGen allele CA371937516.